The following is an entry in ClinVar:

ClinVar aggregate classification (germline): Uncertain significance (1 of 4 stars; one submission).

Conditions:
Inborn genetic diseases. Identifiers: MedGen C0950123, MeSH D030342.

Submission:

Ambry Genetics
Classification: Uncertain significance for Inborn genetic diseases. Last evaluated: 2024-05-24. Review status: criteria provided, single submitter. Criteria: Ambry Variant Classification Scheme 2023. Collection method: clinical testing. Allele origin: germline.
Comment: The p.M250T variant (also known as c.749T>C), located in coding exon 6 of the EPAS1 gene, results from a T to C substitution at nucleotide position 749. The methionine at codon 250 is replaced by threonine, an amino acid with similar properties. This amino acid position is conserved. In addition, the in silico prediction for this alteration is inconclusive. Based on the available evidence, the clinical significance of this variant remains unclear.

NM_001430.5(EPAS1):c.749T>C (p.Met250Thr)

Genes: EPAS1 (endothelial PAS domain protein 1; plus strand), LOC126806210 (BRD4-independent group 4 enhancer GRCh37_chr2:46587586-46588785; plus strand). Cytogenetic location: 2p21.
Variant type: single nucleotide variant.
Coding change: c.749T>C on transcript NM_001430.5 (MANE Select); coding-DNA position 749, T replaced by C.
Protein change: p.Met250Thr; replaces methionine 250 with threonine.
Molecular consequence: missense variant.
Genome position (GRCh38, 1-based): chr2:46,361,060, T>C. VCF-style: chr2-46361060-T-C. GRCh37 (hg19) VCF-style: chr2-46588199-T-C.
Other names: short protein forms M250T.
Identifiers: ClinVar variation 3275728 (VCV003275728.1).